The following is an entry in ClinVar:

ClinVar aggregate classification (germline): Uncertain significance (1 of 4 stars; one submission).

Allele frequency attached by ClinVar (database versions not stated): gnomAD exomes below 0.00001; gnomAD 0.00001.
gnomAD v4.1: 5 of 1,186,424 alleles (0.00042%); highest among the groups gnomAD compares: East Asian, 0.015%; 1 homozygote.

Submission:

GeneDx
Classification: Uncertain significance. Last evaluated: 2017-01-30. Review status: criteria provided, single submitter. Criteria: GeneDx Variant Classification (06012015). Collection method: clinical testing. Allele origin: germline. Affected: yes.
Comment: A variant of uncertain significance has been identified in the TMLHE gene. The W2X variant has not been published as a pathogenic variant, nor has it been reported as a benign variant to our knowledge. It is not observed in large population cohorts (Lek et al., 2016; 1000 Genomes Consortium et al., 2015; Exome Variant Server). The W2X nonsense variant is predicted to cause loss of normal protein function either through protein truncation or nonsense-mediated mRNA decay. Based on the currently available information, it is unclear whether this variant is a pathogenic variant or a rare benign variant.

NM_018196.4(TMLHE):c.5G>A (p.Trp2Ter)

Gene: TMLHE (trimethyllysine hydroxylase, epsilon; minus strand). Cytogenetic location: Xq28.
Variant type: single nucleotide variant.
Coding change: c.5G>A on transcript NM_018196.4 (MANE Select); coding-DNA position 5, G replaced by A.
Protein change: p.Trp2Ter; replaces tryptophan 2 with a stop codon.
Molecular consequence: nonsense.
Genome position (GRCh38, 1-based): chrX:155,545,272, C>T on the plus strand (G>A on the coding strand, the complement: TMLHE is on the minus strand). VCF-style: chrX-155545272-C-T. GRCh37 (hg19) VCF-style: chrX-154774933-C-T.
Other names: c.5G>A, p.Trp2Ter (NM_001184797.2); short protein forms W2*.
Identifiers: ClinVar variation 280314 (VCV000280314.2), dbSNP rs886041543, ClinGen allele CA10603540.
Genomic context (GRCh38, chrX:155,545,272, plus strand): 5'-ATGACTCCTCCCTTCAGCAAGTCCTGAAGCCTGCTGTGTAGGTGGGACAATCTGTGGTAC[C>T]ACATCCTAGAAGATTGGATAATAACAAGTTAGTAGTAATATACAACAACTTTTATGAGGC-3'